The following is an entry in ClinVar:

ClinVar aggregate classification (germline): Uncertain significance. Review status: criteria provided, multiple submitters, no conflicts (2 of 4 stars). 3 submissions from 3 submitters: Uncertain significance (3). Last evaluated 2025-12-27.

Conditions:
RASopathy. Also called: Noonan spectrum disorder; rasopathies. Identifiers: Orphanet 536391, MedGen C5555857, MONDO:0021060.
Cardiovascular phenotype. Identifiers: MedGen CN230736.

gnomAD v4.1: 1 of 1,614,096 alleles (0.000062%); highest among the groups gnomAD compares: Non-Finnish European, 0.000085%; no homozygotes.

Submissions (3):

Ambry Genetics
Classification: Uncertain significance for Cardiovascular phenotype. Last evaluated: 2025-12-27. Review status: criteria provided, single submitter. Criteria: Ambry Variant Classification Scheme 2023. Collection method: clinical testing. Allele origin: germline.
Comment: The p.S441R variant (also known as c.1321A>C), located in coding exon 9 of the CBL gene, results from an A to C substitution at nucleotide position 1321. The serine at codon 441 is replaced by arginine, an amino acid with dissimilar properties. This amino acid position is conserved. In addition, this alteration is predicted to be tolerated by in silico analysis. Based on the available evidence, the clinical significance of this variant remains unclear.

Labcorp Genetics (formerly Invitae), Labcorp
Classification: Uncertain significance for RASopathy. Last evaluated: 2022-10-14. Review status: criteria provided, single submitter. Criteria: Invitae Variant Classification Sherloc (09022015). Collection method: clinical testing. Allele origin: germline.
Comment: This variant has not been reported in the literature in individuals affected with CBL-related conditions. This variant is present in population databases (no rsID available, gnomAD 0.0009%). This sequence change replaces serine, which is neutral and polar, with arginine, which is basic and polar, at codon 441 of the CBL protein (p.Ser441Arg). Advanced modeling of protein sequence and biophysical properties (such as structural, functional, and spatial information, amino acid conservation, physicochemical variation, residue mobility, and thermodynamic stability) performed at Invitae indicates that this missense variant is not expected to disrupt CBL protein function. In summary, the available evidence is currently insufficient to determine the role of this variant in disease. Therefore, it has been classified as a Variant of Uncertain Significance.

GeneDx
Classification: Uncertain significance. Last evaluated: 2022-10-03. Review status: criteria provided, single submitter. Criteria: GeneDx Variant Classification Process June 2021. Collection method: clinical testing. Allele origin: germline. Affected: yes.
Comment: In silico analysis supports that this missense variant does not alter protein structure/function; Has not been previously published as pathogenic or benign to our knowledge; This variant is associated with the following publications: (PMID: 20619386)

NM_005188.4(CBL):c.1321A>C (p.Ser441Arg)

Gene: CBL (Cbl proto-oncogene; plus strand). Cytogenetic location: 11q23.3.
Variant type: single nucleotide variant.
Coding change: c.1321A>C on transcript NM_005188.4 (MANE Select); coding-DNA position 1321, A replaced by C.
Protein change: p.Ser441Arg; replaces serine 441 with arginine.
Molecular consequence: missense variant.
Genome position (GRCh38, 1-based): chr11:119,278,603, A>C. VCF-style: chr11-119278603-A-C. GRCh37 (hg19) VCF-style: chr11-119149313-A-C.
Other names: c.1321A>C (NM_005188.2); short protein forms S441R.
Identifiers: ClinVar variation 2146351 (VCV002146351.6), dbSNP rs1296401101, ClinGen allele CA382914290.